The following is an entry in ClinVar:

ClinVar aggregate classification (germline): Uncertain significance (1 of 4 stars; one submission).

Allele frequency attached by ClinVar (database versions not stated): gnomAD exomes below 0.00001.
gnomAD v4.1: 3 of 1,614,062 alleles (0.00019%); highest among the groups gnomAD compares: East Asian, 0.0045%; no homozygotes.

Submission:

Labcorp Genetics (formerly Invitae), Labcorp
Classification: Uncertain significance. Last evaluated: 2022-09-27. Review status: criteria provided, single submitter. Criteria: Invitae Variant Classification Sherloc (09022015). Collection method: clinical testing. Allele origin: germline.
Comment: This sequence change affects codon 1457 of the SNRNP200 mRNA. It is a 'silent' change, meaning that it does not change the encoded amino acid sequence of the SNRNP200 protein. This variant is not present in population databases (gnomAD no frequency). This variant has not been reported in the literature in individuals affected with SNRNP200-related conditions. Algorithms developed to predict the effect of sequence changes on RNA splicing suggest that this variant may create or strengthen a splice site. In summary, the available evidence is currently insufficient to determine the role of this variant in disease. Therefore, it has been classified as a Variant of Uncertain Significance.

NM_014014.5(SNRNP200):c.4371C>T (p.His1457=)

Gene: SNRNP200 (small nuclear ribonucleoprotein U5 subunit 200; minus strand). Cytogenetic location: 2q11.2.
Variant type: single nucleotide variant.
Coding change: c.4371C>T on transcript NM_014014.5 (MANE Select); coding-DNA position 4371, C replaced by T.
Protein change: p.His1457=; no amino-acid change (histidine 1457 retained).
Molecular consequence: synonymous variant.
Genome position (GRCh38, 1-based): chr2:96,284,379, G>A on the plus strand (C>T on the coding strand, the complement: SNRNP200 is on the minus strand). VCF-style: chr2-96284379-G-A. GRCh37 (hg19) VCF-style: chr2-96950117-G-A.
Identifiers: ClinVar variation 2118451 (VCV002118451.4), dbSNP rs2063828946, ClinGen allele CA427495256.